The following is an entry in ClinVar:

NM_016292.3(TRAP1):c.1405C>G (p.Arg469Gly)

Genes: DNASE1 (deoxyribonuclease 1; plus strand), TRAP1 (TNF receptor associated protein 1; minus strand). Cytogenetic location: 16p13.3.
Variant type: single nucleotide variant.
Coding change: c.1405C>G on transcript NM_016292.3 (MANE Select); coding-DNA position 1405, C replaced by G.
Protein change: p.Arg469Gly; replaces arginine 469 with glycine.
Molecular consequence: missense variant. On other transcripts: 3 prime UTR variant (1).
Genome position (GRCh38, 1-based): chr16:3,664,438, G>C on the plus strand (C>G on the coding strand, the complement: TRAP1 is on the minus strand). VCF-style: chr16-3664438-G-C. GRCh37 (hg19) VCF-style: chr16-3714439-G-C.
Other names: c.1246C>G, p.Arg416Gly (NM_001272049.2); c.*1814G>C (NM_001387140.1); short protein forms R416G, R469G.
Identifiers: ClinVar variation 3673880 (VCV003673880.2).

ClinVar aggregate classification (germline): Uncertain significance (1 of 4 stars; one submission).

Submission:

Labcorp Genetics (formerly Invitae), Labcorp
Classification: Uncertain significance. Last evaluated: 2024-03-05. Review status: criteria provided, single submitter. Criteria: Invitae Variant Classification Sherloc (09022015). Collection method: clinical testing. Allele origin: germline.
Comment: This sequence change replaces arginine, which is basic and polar, with glycine, which is neutral and non-polar, at codon 469 of the TRAP1 protein (p.Arg469Gly). This variant is not present in population databases (gnomAD no frequency). This variant has not been reported in the literature in individuals affected with TRAP1-related conditions. Advanced modeling of protein sequence and biophysical properties (such as structural, functional, and spatial information, amino acid conservation, physicochemical variation, residue mobility, and thermodynamic stability) performed at Invitae indicates that this missense variant is expected to disrupt TRAP1 protein function with a positive predictive value of 80%. In summary, the available evidence is currently insufficient to determine the role of this variant in disease. Therefore, it has been classified as a Variant of Uncertain Significance.